The following is an entry in ClinVar:

NM_001267550.2(TTN):c.45698C>T (p.Thr15233Ile)

Gene: TTN (titin; minus strand). Cytogenetic location: 2q31.2.
Variant type: single nucleotide variant.
Coding change: c.45698C>T on transcript NM_001267550.2 (MANE Select); coding-DNA position 45698, C replaced by T.
Protein change: p.Thr15233Ile; replaces threonine 15233 with isoleucine.
Molecular consequence: missense variant.
Genome position (GRCh38, 1-based): chr2:178,620,912, G>A on the plus strand (C>T on the coding strand, the complement: TTN is on the minus strand). VCF-style: chr2-178620912-G-A. GRCh37 (hg19) VCF-style: chr2-179485639-G-A.
Other names: c.40775C>T, p.Thr13592Ile (NM_001256850.1); c.18503C>T, p.Thr6168Ile (NM_003319.4); c.37994C>T, p.Thr12665Ile (NM_133378.4); c.18878C>T, p.Thr6293Ile (NM_133432.3); c.19079C>T, p.Thr6360Ile (NM_133437.4); short protein forms T12665I, T13592I, T15233I, T6168I, T6293I, T6360I.
Identifiers: ClinVar variation 2579605 (VCV002579605.1), dbSNP rs1267073931, ClinGen allele CA349632478.
Genomic context (GRCh38, chr2:178,620,912, plus strand): 5'-TATTTTGAACTATCAAATATAGCTTCTTCATTTCTGAACCATTTGGCTTTGGCACCTTCA[G>A]TATTGACTTCACAGTTGAAGACAACTTCCTGTTGTTCCTTCACCCGGGTGTCCTTAAGAG-3'
Protein context (NP_001254479.2, residues 15223-15243): QEVVFNCEVN[Thr15233Ile]EGAKAKWFRN

ClinVar aggregate classification (germline): Uncertain significance (1 of 4 stars; one submission).

Allele frequency attached by ClinVar (database versions not stated): TOPMed 0.00001; gnomAD 0.00002.
gnomAD v4.1: 4 of 1,612,350 alleles (0.00025%); highest among the groups gnomAD compares: African/African-American, 0.004%; no homozygotes.

Submission:

GeneDx
Classification: Uncertain significance. Last evaluated: 2023-03-07. Review status: criteria provided, single submitter. Criteria: GeneDx Variant Classification Process June 2021. Collection method: clinical testing. Allele origin: germline. Affected: yes.
Comment: Not observed at significant frequency in large population cohorts (gnomAD); Missense variant in a gene in which most reported pathogenic variants are truncating/loss of function; Has not been previously published as pathogenic or benign to our knowledge